The following is an entry in ClinVar:

NM_000179.3(MSH6):c.1882del (p.Trp628fs)

Gene: MSH6 (mutS homolog 6; plus strand). Cytogenetic location: 2p16.3.
Variant type: Deletion.
Coding change: c.1882del on transcript NM_000179.3 (MANE Select); coding-DNA position 1882, one base deleted (T; older notation c.1882delT).
Protein change: p.Trp628fs; shifts the reading frame from tryptophan 628.
Molecular consequence: frameshift variant. On other transcripts: non-coding transcript variant (5), intron variant (2).
Genome position (GRCh38, 1-based): chr2:47,799,865, T deleted; the last of 4 consecutive T bases (chr2:47,799,862-47,799,865); deleting any one gives the same sequence. VCF-style (leftmost placement, unchanged base first): chr2-47799861-GT-G. GRCh37 (hg19) VCF-style: chr2-48027000-GT-G.
Other names: c.1492del, p.Trp498fs (NM_001281492.2); c.976del, p.Trp326fs (NM_001281493.2, NM_001281494.2, NM_001406811.1 and 6 more transcripts); c.1978del, p.Trp660fs (NM_001406795.1, NM_001406802.1); c.1882del, p.Trp628fs (NM_001406796.1, NM_001406798.1, NM_001406800.1 and 3 more transcripts); c.1585del, p.Trp529fs (NM_001406797.1, NM_001406801.1, NM_001406805.1 and 10 more transcripts); c.1357del, p.Trp453fs (NM_001406799.1, NM_001406806.1, NM_001406807.1); c.1804del, p.Trp602fs (NM_001406804.1); c.1888del, p.Trp630fs (NM_001406813.1); and 3 more; short protein forms W326fs, W453fs, W498fs, W529fs, W572fs, W602fs, W628fs, W630fs.
Identifiers: ClinVar variation 2673630 (VCV002673630.1), dbSNP rs2530635872, ClinGen allele CA2695200642.

ClinVar aggregate classification (germline): Pathogenic (1 of 4 stars; one submission).

Conditions:
Lynch syndrome 5 (LYNCH5). Also called: Colorectal cancer, hereditary nonpolyposis, type 5; Hereditary non-polyposis colorectal cancer, type 5. Identifiers: Orphanet 144, MedGen C1833477, MONDO:0013710, OMIM 614350. Disease mechanism: loss of function.

Submission:

Myriad Genetics, Inc.
Classification: Pathogenic for Lynch syndrome 5. Last evaluated: 2023-08-16. Review status: criteria provided, single submitter. Criteria: Myriad Autosomal Dominant, Autosomal Recessive and X-Linked Classification Criteria (2023). Collection method: clinical testing. Allele origin: unknown.
Comment: This variant is considered pathogenic. This variant creates a frameshift predicted to result in premature protein truncation.